The following is an entry in ClinVar:

ClinVar aggregate classification (germline): Benign/Likely benign. Review status: criteria provided, multiple submitters, no conflicts (2 of 4 stars). 3 submissions from 3 submitters: Benign (1); Likely benign (2). Last evaluated 2024-08-01.

Conditions:
Juvenile polyposis syndrome (JPS). Identifiers: Orphanet 2929, MedGen C0345893, MONDO:0017380, OMIM 174900.
Hereditary cancer-predisposing syndrome. Also called: Neoplastic Syndromes, Hereditary; Hereditary Cancer Syndrome; Hereditary neoplastic syndrome; Tumor predisposition. Identifiers: Orphanet 140162, MedGen C0027672, MeSH D009386, MONDO:0015356.

Submissions (3):

Myriad Genetics, Inc.
Classification: Benign for Juvenile polyposis syndrome. Last evaluated: 2024-08-01. Review status: criteria provided, single submitter. Criteria: Myriad Autosomal Dominant, Autosomal Recessive and X-Linked Classification Criteria (2023). Collection method: clinical testing. Allele origin: unknown.
Comment: This variant is considered benign. This variant is a silent/synonymous amino acid change and it is not expected to impact splicing.

Color Diagnostics, LLC DBA Color Health
Classification: Likely benign for Hereditary cancer-predisposing syndrome. Last evaluated: 2022-11-06. Review status: criteria provided, single submitter. Criteria: ACMG Guidelines, 2015. Collection method: clinical testing. Allele origin: germline.

Ambry Genetics
Classification: Likely benign for Hereditary cancer-predisposing syndrome. Last evaluated: 2019-09-08. Review status: criteria provided, single submitter. Criteria: Ambry Variant Classification Scheme 2023. Collection method: clinical testing. Allele origin: germline.

NM_004329.3(BMPR1A):c.400T>C (p.Leu134=)

Gene: BMPR1A (bone morphogenetic protein receptor type 1A; plus strand). Cytogenetic location: 10q23.2.
Variant type: single nucleotide variant.
Coding change: c.400T>C on transcript NM_004329.3 (MANE Select); coding-DNA position 400, T replaced by C.
Protein change: p.Leu134=; no amino-acid change (leucine 134 retained).
Molecular consequence: synonymous variant.
Genome position (GRCh38, 1-based): chr10:86,899,860, T>C. VCF-style: chr10-86899860-T-C. GRCh37 (hg19) VCF-style: chr10-88659617-T-C.
Identifiers: ClinVar variation 824500 (VCV000824500.6), dbSNP rs1589768059, ClinGen allele CA470306612.
Genomic context (GRCh38, chr10:86,899,860, plus strand): 5'-CCAAAAGCCCAGCTACGCCGGACAATAGAATGTTGTCGGACCAATTTATGTAACCAGTAT[T>C]TGCAACCCACACTGCCCCCTGTTGTCATAGGTAGGTTAGCCGAGAAAAGTCGGAGCATGC-3'
Protein context (NP_004320.2, residues 124-144): CCRTNLCNQY[Leu134=]QPTLPPVVIG